The following is an entry in ClinVar:

NM_000718.4(CACNA1B):c.1628G>A (p.Arg543Gln)

Gene: CACNA1B (calcium voltage-gated channel subunit alpha1 B; plus strand). Cytogenetic location: 9q34.3.
Variant type: single nucleotide variant.
Coding change: c.1628G>A on transcript NM_000718.4 (MANE Select); coding-DNA position 1628, G replaced by A.
Protein change: p.Arg543Gln; replaces arginine 543 with glutamine.
Molecular consequence: missense variant.
Genome position (GRCh38, 1-based): chr9:137,975,991, G>A. VCF-style: chr9-137975991-G-A. GRCh37 (hg19) VCF-style: chr9-140870443-G-A.
Other names: c.1628G>A, p.Arg543Gln (NM_001243812.2); short protein forms R543Q.
Identifiers: ClinVar variation 1934214 (VCV001934214.5), dbSNP rs201293567, ClinGen allele CA5376216.

ClinVar aggregate classification (germline): Uncertain significance (1 of 4 stars; one submission).

Allele frequency attached by ClinVar (database versions not stated): TOPMed below 0.00001; gnomAD 0.00001; gnomAD exomes 0.00002; ExAC 0.00003; 1000 Genomes Project 30x 0.00016; 1000 Genomes Project 0.00020.
gnomAD v4.1: 31 of 1,612,242 alleles (0.0019%); highest among the groups gnomAD compares: South Asian, 0.0033%; no homozygotes.

Submission:

Labcorp Genetics (formerly Invitae), Labcorp
Classification: Uncertain significance. Last evaluated: 2022-02-21. Review status: criteria provided, single submitter. Criteria: Invitae Variant Classification Sherloc (09022015). Collection method: clinical testing. Allele origin: germline.
Comment: In summary, the available evidence is currently insufficient to determine the role of this variant in disease. Therefore, it has been classified as a Variant of Uncertain Significance. Advanced modeling of protein sequence and biophysical properties (such as structural, functional, and spatial information, amino acid conservation, physicochemical variation, residue mobility, and thermodynamic stability) performed at Invitae indicates that this missense variant is not expected to disrupt CACNA1B protein function. This variant has not been reported in the literature in individuals affected with CACNA1B-related conditions. This variant is present in population databases (rs201293567, gnomAD 0.006%). This sequence change replaces arginine, which is basic and polar, with glutamine, which is neutral and polar, at codon 543 of the CACNA1B protein (p.Arg543Gln).